The following is an entry in ClinVar:

ClinVar aggregate classification (germline): Benign/Likely benign. Review status: criteria provided, multiple submitters, no conflicts (2 of 4 stars). 5 submissions from 5 submitters: Benign (2); Likely benign (3). Last evaluated 2025-12-07.

Conditions:
Hypercholesterolemia, autosomal dominant, 3 (FHCL3). Also called: Familial Hypercholesterolemia, Autosomal Dominant, 3; PCSK9-Related Familial Hypercholesterolemia, Autosomal Dominant; Familial hypercholesterolemia 3. Identifiers: MedGen C1863551, MONDO:0011369, OMIM 603776.
Familial hypercholesterolemia. Also called: Familial hypercholesterolemias; Familial hypercholesterolaemia. Identifiers: MedGen C0020445, MONDO:0005439.

Allele frequency attached by ClinVar (database versions not stated): gnomAD exomes 0.00006 and 0.00010; ExAC 0.00014; ESP Exome Variant Server 0.00023; 1000 Genomes Project 0.00040; gnomAD 0.00044 and 0.00046; 1000 Genomes Project 30x 0.00047; TOPMed 0.00056.
gnomAD v4.1: 153 of 1,559,736 alleles (0.0098%); highest among the groups gnomAD compares: African/African-American, 0.17%; no homozygotes.

Submissions (5):

Labcorp Genetics (formerly Invitae), Labcorp
Classification: Benign for Hypercholesterolemia, autosomal dominant, 3. Last evaluated: 2025-12-07. Review status: criteria provided, single submitter. Criteria: Invitae Variant Classification Sherloc (09022015). Collection method: clinical testing. Allele origin: germline.

All of Us Research Program, National Institutes of Health
Classification: Likely benign for Hypercholesterolemia, autosomal dominant, 3. Last evaluated: 2023-12-13. Review status: criteria provided, single submitter. Criteria: ACMG Guidelines, 2015. Collection method: clinical testing. Allele origin: germline. Inheritance: Autosomal dominant inheritance. Observed: 22 variant alleles, 22 heterozygotes.
Comment: This study involves interpretation of variants in research participants for the purpose of population health screening. Participant phenotype was not available at the time of variant classification. Additional details can be found in publication PMID: 35346344, PMCID: PMC8962531

CeGaT Center for Human Genetics Tuebingen
Classification: Likely benign. Last evaluated: 2023-09-01. Review status: criteria provided, single submitter. Criteria: CeGaT Center For Human Genetics Tuebingen Variant Classification Criteria Version 2. Collection method: clinical testing. Allele origin: germline. Affected: yes. Observed: 1 variant allele.
Comment: PCSK9: BP4, BS1

Women's Health and Genetics/Laboratory Corporation of America, LabCorp
Classification: Benign. Last evaluated: 2023-07-18. Review status: criteria provided, single submitter. Criteria: LabCorp Variant Classification Summary - May 2015. Collection method: clinical testing. Allele origin: germline.

Color Diagnostics, LLC DBA Color Health
Classification: Likely benign for Familial hypercholesterolemia. Last evaluated: 2017-10-24. Review status: criteria provided, single submitter. Criteria: ACMG Guidelines, 2015. Collection method: clinical testing. Allele origin: germline.

NM_174936.4(PCSK9):c.1504-7C>T

Gene: PCSK9 (proprotein convertase subtilisin/kexin type 9; plus strand). Cytogenetic location: 1p32.3.
Variant type: single nucleotide variant.
Coding change: c.1504-7C>T on transcript NM_174936.4 (MANE Select); 7 bases into the intron before coding-DNA position 1504, C replaced by T.
Molecular consequence: intron variant.
Genome position (GRCh38, 1-based): chr1:55,059,479, C>T. VCF-style: chr1-55059479-C-T. GRCh37 (hg19) VCF-style: chr1-55525152-C-T.
Identifiers: ClinVar variation 695870 (VCV000695870.40), dbSNP rs72646520, ClinGen allele CA037862.
Genomic context (GRCh38, chr1:55,059,479, plus strand): 5'-CTAGTCCCTTTCTGTGTTTTCAAAGCCCATTCTAAAGCAGATTCCCATTTCCGTCTTTGA[C>T]TCTAAGGCCCAAGGGGGCAAGCTGGTCTGCCGGGCCCACAACGCTTTTGGGGGTGAGGGT-3'